The following is an entry in ClinVar:

ClinVar aggregate classification (germline): Uncertain significance (1 of 4 stars; one submission).

Allele frequency attached by ClinVar (database versions not stated): gnomAD exomes 0.00001; TOPMed 0.00001.

Submission:

Labcorp Genetics (formerly Invitae), Labcorp
Classification: Uncertain significance. Last evaluated: 2023-11-21. Review status: criteria provided, single submitter. Criteria: Invitae Variant Classification Sherloc (09022015). Collection method: clinical testing. Allele origin: germline.
Comment: This sequence change replaces methionine, which is neutral and non-polar, with threonine, which is neutral and polar, at codon 1462 of the HSPG2 protein (p.Met1462Thr). This variant is present in population databases (no rsID available, gnomAD 0.0009%). This variant has not been reported in the literature in individuals affected with HSPG2-related conditions. Algorithms developed to predict the effect of missense changes on protein structure and function output the following: SIFT: "Not Available"; PolyPhen-2: "Benign"; Align-GVGD: "Not Available". The threonine amino acid residue is found in multiple mammalian species, which suggests that this missense change does not adversely affect protein function. In summary, the available evidence is currently insufficient to determine the role of this variant in disease. Therefore, it has been classified as a Variant of Uncertain Significance.

NM_005529.7(HSPG2):c.4385T>C (p.Met1462Thr)

Gene: HSPG2 (heparan sulfate proteoglycan 2; minus strand). Cytogenetic location: 1p36.12.
Variant type: single nucleotide variant.
Coding change: c.4385T>C on transcript NM_005529.7 (MANE Select); coding-DNA position 4385, T replaced by C.
Protein change: p.Met1462Thr; replaces methionine 1462 with threonine.
Molecular consequence: missense variant.
Genome position (GRCh38, 1-based): chr1:21,865,295, A>G on the plus strand (T>C on the coding strand, the complement: HSPG2 is on the minus strand). VCF-style: chr1-21865295-A-G. GRCh37 (hg19) VCF-style: chr1-22191788-A-G.
Other names: c.4388T>C, p.Met1463Thr (NM_001291860.2); short protein forms M1463T, M1462T.
Identifiers: ClinVar variation 2795683 (VCV002795683.3), dbSNP rs1473745137, ClinGen allele CA338955651.